The following is an entry in ClinVar:

NM_001145809.2(MYH14):c.1483-11C>A

Gene: MYH14 (myosin heavy chain 14; plus strand). Cytogenetic location: 19q13.33.
Variant type: single nucleotide variant.
Coding change: c.1483-11C>A on transcript NM_001145809.2 (MANE Select); 11 bases into the intron before coding-DNA position 1483, C replaced by A.
Molecular consequence: intron variant.
Genome position (GRCh38, 1-based): chr19:50,249,639, C>A. VCF-style: chr19-50249639-C-A. GRCh37 (hg19) VCF-style: chr19-50752896-C-A.
Other names: c.1483-11C>A (NM_001077186.2); c.1459-11C>A (NM_024729.4).
Identifiers: ClinVar variation 1878834 (VCV001878834.1), dbSNP rs760716630, ClinGen allele CA309596241.
Genomic context (GRCh38, chr19:50,249,639, plus strand): 5'-GTCTCTGTCCCCTGTCTCTGGGTCTCTGTCCCTCTCCATCCTCCCAGCTCACGTGTCCTG[C>A]GTCCCTGCAGCTGAACTCCTTCGAGCAGCTCTGCATCAACTACACCAACGAGAAGCTGCA-3'

ClinVar aggregate classification (germline): Uncertain significance (1 of 4 stars; one submission).

gnomAD v4.1: 22 of 1,614,018 alleles (0.0014%); highest among the groups gnomAD compares: Non-Finnish European, 0.0019%; no homozygotes.

Submission:

GeneDx
Classification: Uncertain significance. Last evaluated: 2022-07-11. Review status: criteria provided, single submitter. Criteria: GeneDx Variant Classification Process June 2021. Collection method: clinical testing. Allele origin: germline. Affected: yes.
Comment: Not observed at significant frequency in large population cohorts (gnomAD); In silico analysis supports a deleterious effect on splicing; Has not been previously published as pathogenic or benign to our knowledge